The following is an entry in ClinVar:

ClinVar aggregate classification (germline): Uncertain significance. Review status: criteria provided, multiple submitters, no conflicts (2 of 4 stars). 2 submissions from 2 submitters: Uncertain significance (2). Last evaluated 2023-02-23.

Conditions:
Renal cell carcinoma. Identifiers: Orphanet 217071, MedGen C0007134, MeSH D002292, MONDO:0005086, HP:0005584.
Hereditary cancer-predisposing syndrome. Also called: Neoplastic Syndromes, Hereditary; Hereditary Cancer Syndrome; Tumor predisposition; Hereditary neoplastic syndrome. Identifiers: Orphanet 140162, MedGen C0027672, MeSH D009386, MONDO:0015356.

Allele frequency attached by ClinVar (database versions not stated): gnomAD exomes below 0.00001; ExAC 0.00001.
gnomAD v4.1: 3 of 1,614,110 alleles (0.00019%); highest among the groups gnomAD compares: South Asian, 0.0022%; no homozygotes.

Submissions (2):

Ambry Genetics
Classification: Uncertain significance for Hereditary cancer-predisposing syndrome. Last evaluated: 2023-02-23. Review status: criteria provided, single submitter. Criteria: Ambry Variant Classification Scheme 2023. Collection method: clinical testing. Allele origin: germline.
Comment: The p.G500S variant (also known as c.1498G>A), located in coding exon 3 of the MET gene, results from a G to A substitution at nucleotide position 1498. The glycine at codon 500 is replaced by serine, an amino acid with similar properties. This amino acid position is conserved. In addition, the in silico prediction for this alteration is inconclusive. Since supporting evidence is limited at this time, the clinical significance of this alteration remains unclear.

Labcorp Genetics (formerly Invitae), Labcorp
Classification: Uncertain significance for Renal cell carcinoma. Last evaluated: 2022-09-13. Review status: criteria provided, single submitter. Criteria: Invitae Variant Classification Sherloc (09022015). Collection method: clinical testing. Allele origin: germline.
Comment: This sequence change replaces glycine, which is neutral and non-polar, with serine, which is neutral and polar, at codon 500 of the MET protein (p.Gly500Ser). This variant is present in population databases (rs765311042, gnomAD 0.006%). This variant has not been reported in the literature in individuals affected with MET-related conditions. Algorithms developed to predict the effect of missense changes on protein structure and function (SIFT, PolyPhen-2, Align-GVGD) all suggest that this variant is likely to be tolerated. In summary, the available evidence is currently insufficient to determine the role of this variant in disease. Therefore, it has been classified as a Variant of Uncertain Significance.

NM_000245.4(MET):c.1498G>A (p.Gly500Ser)

Gene: MET (MET proto-oncogene, receptor tyrosine kinase; plus strand). Cytogenetic location: 7q31.2.
Variant type: single nucleotide variant.
Coding change: c.1498G>A on transcript NM_000245.4 (MANE Select); coding-DNA position 1498, G replaced by A.
Protein change: p.Gly500Ser; replaces glycine 500 with serine.
Molecular consequence: missense variant.
Genome position (GRCh38, 1-based): chr7:116,740,055, G>A. VCF-style: chr7-116740055-G-A. GRCh37 (hg19) VCF-style: chr7-116380109-G-A.
Other names: c.1498G>A, p.Gly500Ser (NM_001127500.3, NM_001324401.3); c.208G>A, p.Gly70Ser (NM_001324402.2); short protein forms G500S, G70S.
Identifiers: ClinVar variation 2154377 (VCV002154377.6), dbSNP rs765311042, ClinGen allele CA4448172.
Genomic context (GRCh38, chr7:116,740,055, plus strand): 5'-CTCCTGGACTCCCATCCAGTGTCTCCAGAAGTGATTGTGGAGCATACATTAAACCAAAAT[G>A]GCTACACACTGGTTATCACTGGGAAGAAGGTAAGCTGTTCCCACAGGGAATTTCCATAGA-3'
Protein context (NP_000236.2, residues 490-510): VIVEHTLNQN[Gly500Ser]YTLVITGKKI